The following is an entry in ClinVar:

ClinVar aggregate classification (germline): Uncertain significance (1 of 4 stars; one submission).

Conditions:
Dyskeratosis congenita, autosomal recessive 6 (DKCB6). Identifiers: MedGen C4225356, MONDO:0014600, OMIM 616353.
Pulmonary fibrosis and/or bone marrow failure, Telomere-related, 4. Also called: PULMONARY FIBROSIS AND/OR BONE MARROW FAILURE SYNDROME, TELOMERE-RELATED, 4. Identifiers: Orphanet 2032, MedGen C4225347, MONDO:0014612, OMIM 616371.

gnomAD v4.1: 1 of 1,575,384 alleles (0.000063%); highest among the groups gnomAD compares: Non-Finnish European, 0.000087%; no homozygotes.

Submission:

Labcorp Genetics (formerly Invitae), Labcorp
Classification: Uncertain significance for Dyskeratosis congenita, autosomal recessive 6; Pulmonary fibrosis and/or bone marrow failure, Telomere-related, 4. Last evaluated: 2020-06-16. Review status: criteria provided, single submitter. Criteria: Invitae Variant Classification Sherloc (09022015). Collection method: clinical testing. Allele origin: germline.
Comment: This variant has not been reported in the literature in individuals with PARN-related conditions. In summary, the available evidence is currently insufficient to determine the role of this variant in disease. Therefore, it has been classified as a Variant of Uncertain Significance. Nucleotide substitutions within the consensus splice site are a relatively common cause of aberrant splicing (PMID: 17576681, 9536098). Algorithms developed to predict the effect of sequence changes on RNA splicing suggest that this variant is not likely to affect RNA splicing, but this prediction has not been confirmed by published transcriptional studies. This variant is not present in population databases (ExAC no frequency). This sequence change falls in intron 11 of the PARN gene. It does not directly change the encoded amino acid sequence of the PARN protein, but it affects a nucleotide within the consensus splice site of the intron.

Literature cited by the submitters: PubMed 17576681; PubMed 9536098.

NM_002582.4(PARN):c.783+4A>T

Gene: PARN (poly(A)-specific ribonuclease; minus strand). Cytogenetic location: 16p13.12.
Variant type: single nucleotide variant.
Coding change: c.783+4A>T on transcript NM_002582.4 (MANE Select); 4 bases into the intron after coding-DNA position 783, A replaced by T.
Molecular consequence: intron variant.
Genome position (GRCh38, 1-based): chr16:14,604,142, T>A on the plus strand (A>T on the coding strand, the complement: PARN is on the minus strand). VCF-style: chr16-14604142-T-A. GRCh37 (hg19) VCF-style: chr16-14697999-T-A.
Other names: c.600+4A>T (NM_001134477.3); c.645+4A>T (NM_001242992.2).
Identifiers: ClinVar variation 1045823 (VCV001045823.7), dbSNP rs1317955775, ClinGen allele CA2209387949.